The following is an entry in ClinVar:

ClinVar aggregate classification (germline): Uncertain significance (1 of 4 stars; one submission).

Submission:

Labcorp Genetics (formerly Invitae), Labcorp
Classification: Uncertain significance. Last evaluated: 2022-06-23. Review status: criteria provided, single submitter. Criteria: Invitae Variant Classification Sherloc (09022015). Collection method: clinical testing. Allele origin: germline.
Comment: This sequence change replaces leucine, which is neutral and non-polar, with arginine, which is basic and polar, at codon 533 of the ERMARD protein (p.Leu533Arg). This variant is not present in population databases (gnomAD no frequency). This variant has not been reported in the literature in individuals affected with ERMARD-related conditions. Algorithms developed to predict the effect of missense changes on protein structure and function are either unavailable or do not agree on the potential impact of this missense change (SIFT: "Tolerated"; PolyPhen-2: "Probably Damaging"; Align-GVGD: "Class C0"). In summary, the available evidence is currently insufficient to determine the role of this variant in disease. Therefore, it has been classified as a Variant of Uncertain Significance.

NM_018341.3(ERMARD):c.1598T>G (p.Leu533Arg)

Gene: ERMARD (ER membrane associated RNA degradation; plus strand). Cytogenetic location: 6q27.
Variant type: single nucleotide variant.
Coding change: c.1598T>G on transcript NM_018341.3 (MANE Select); coding-DNA position 1598, T replaced by G.
Protein change: p.Leu533Arg; replaces leucine 533 with arginine.
Molecular consequence: missense variant. On other transcripts: intron variant (2).
Genome position (GRCh38, 1-based): chr6:169,776,532, T>G. VCF-style: chr6-169776532-T-G. GRCh37 (hg19) VCF-style: chr6-170176628-T-G.
Other names: c.1220T>G, p.Leu407Arg (NM_001278532.2); c.1190T>G, p.Leu397Arg (NM_001410957.1); c.1598+121T>G (NM_001278531.2); c.1520+467T>G (NM_001278533.2); short protein forms L397R, L407R, L533R.
Identifiers: ClinVar variation 2009773 (VCV002009773.4), dbSNP rs2537547504, ClinGen allele CA366504400.
Genomic context (GRCh38, chr6:169,776,532, plus strand): 5'-GTGAGCTCTGCAGCACACCTGTTCCCACCCTGTTCTGCCCCAGGATTGTGCTGGAAGTGC[T>G]GGTTGTGCTCCGAAGCATCAGCGAACAGTGCCGCCGTGTGTCCAGCCAGGTCACCGTTGC-3'
Protein context (NP_060811.1, residues 523-543): LFCPRIVLEV[Leu533Arg]VVLRSISEQC